The following is an entry in ClinVar:

ClinVar aggregate classification (germline): Uncertain significance (1 of 4 stars; one submission).

Submission:

Labcorp Genetics (formerly Invitae), Labcorp
Classification: Uncertain significance. Last evaluated: 2022-12-09. Review status: criteria provided, single submitter. Criteria: Invitae Variant Classification Sherloc (09022015). Collection method: clinical testing. Allele origin: germline.
Comment: This sequence change replaces glutamic acid, which is acidic and polar, with lysine, which is basic and polar, at codon 1504 of the DUOX2 protein (p.Glu1504Lys). This variant is not present in population databases (gnomAD no frequency). In summary, the available evidence is currently insufficient to determine the role of this variant in disease. Therefore, it has been classified as a Variant of Uncertain Significance. Advanced modeling of protein sequence and biophysical properties (such as structural, functional, and spatial information, amino acid conservation, physicochemical variation, residue mobility, and thermodynamic stability) performed at Invitae indicates that this missense variant is not expected to disrupt DUOX2 protein function. This variant has not been reported in the literature in individuals affected with DUOX2-related conditions.

NM_001363711.2(DUOX2):c.4510G>A (p.Glu1504Lys)

Gene: DUOX2 (dual oxidase 2; minus strand). Cytogenetic location: 15q21.1.
Variant type: single nucleotide variant.
Coding change: c.4510G>A on transcript NM_001363711.2 (MANE Select); coding-DNA position 4510, G replaced by A.
Protein change: p.Glu1504Lys; replaces glutamic acid 1504 with lysine.
Molecular consequence: missense variant.
Genome position (GRCh38, 1-based): chr15:45,094,577, C>T on the plus strand (G>A on the coding strand, the complement: DUOX2 is on the minus strand). VCF-style: chr15-45094577-C-T. GRCh37 (hg19) VCF-style: chr15-45386775-C-T.
Other names: c.4510G>A, p.Glu1504Lys (NM_014080.5); short protein forms E1504K.
Identifiers: ClinVar variation 2819747 (VCV002819747.3), dbSNP rs1893850195, ClinGen allele CA392249754.
Genomic context (GRCh38, chr15:45,094,577, plus strand): 5'-GGCAGGAGAAGGCCAGAGTCCCAGGGTGGGAGGGAGTGGGACTGACCTGTGGGTGGACCT[C>T]CTGCAGGGAGTTGAAGAAGGGCTCGAAGGGGGGACGGCCAAAGTGGGTGATGGAGCGCAG-3'
Protein context (NP_001350640.1, residues 1494-1514): PFEPFFNSLQ[Glu1504Lys]VHPQVRKIGV